The following is an entry in ClinVar:

NM_006059.4(LAMC3):c.301A>T (p.Thr101Ser)

Gene: LAMC3 (laminin subunit gamma 3; plus strand). Cytogenetic location: 9q34.12.
Variant type: single nucleotide variant.
Coding change: c.301A>T on transcript NM_006059.4 (MANE Select); coding-DNA position 301, A replaced by T.
Protein change: p.Thr101Ser; replaces threonine 101 with serine.
Molecular consequence: missense variant.
Genome position (GRCh38, 1-based): chr9:131,009,515, A>T. VCF-style: chr9-131009515-A-T. GRCh37 (hg19) VCF-style: chr9-133884902-A-T.
Other names: short protein forms T101S.
Identifiers: ClinVar variation 2699197 (VCV002699197.3), dbSNP rs772737957, ClinGen allele CA5286649.

ClinVar aggregate classification (germline): Uncertain significance (1 of 4 stars; one submission).

Allele frequency attached by ClinVar (database versions not stated): gnomAD exomes below 0.00001; ExAC 0.00006.
gnomAD v4.1: 2 of 1,555,442 alleles (0.00013%); highest among the groups gnomAD compares: South Asian, 0.0024%; no homozygotes.

Submission:

Labcorp Genetics (formerly Invitae), Labcorp
Classification: Uncertain significance. Last evaluated: 2023-11-27. Review status: criteria provided, single submitter. Criteria: Invitae Variant Classification Sherloc (09022015). Collection method: clinical testing. Allele origin: germline.
Comment: This sequence change replaces threonine, which is neutral and polar, with serine, which is neutral and polar, at codon 101 of the LAMC3 protein (p.Thr101Ser). This variant is present in population databases (rs772737957, gnomAD 0.009%). This variant has not been reported in the literature in individuals affected with LAMC3-related conditions. An algorithm developed to predict the effect of missense changes on protein structure and function (PolyPhen-2) suggests that this variant is likely to be disruptive. In summary, the available evidence is currently insufficient to determine the role of this variant in disease. Therefore, it has been classified as a Variant of Uncertain Significance.